The following is an entry in ClinVar:

NM_001042492.3(NF1):c.3585del (p.Ala1197fs)

Gene: NF1 (neurofibromin 1; plus strand). Cytogenetic location: 17q11.2.
Variant type: Deletion.
Coding change: c.3585del on transcript NM_001042492.3 (MANE Select); coding-DNA position 3585, one base deleted (A; older notation c.3585delA).
Protein change: p.Ala1197fs; shifts the reading frame from alanine 1197.
Molecular consequence: frameshift variant.
Genome position (GRCh38, 1-based): chr17:31,233,090, A deleted. VCF-style (leftmost placement, unchanged base first): chr17-31233089-CA-C. GRCh37 (hg19) VCF-style: chr17-29560107-CA-C.
Other names: c.3585delA, p.Ala1197Glnfs (NM_000267.4); short protein forms A1197fs.
Identifiers: ClinVar variation 3650952 (VCV003650952.2).

ClinVar aggregate classification (germline): Pathogenic (1 of 4 stars; one submission).

Conditions:
Neurofibromatosis, type 1 (NF1). Also called: Peripheral type neurofibromatosis; VON RECKLINGHAUSEN DISEASE; Neurofibromatosis, type I; NEUROFIBROMATOSIS, TYPE I, SOMATIC. Identifiers: Orphanet 636, MedGen C0027831, MONDO:0018975, OMIM 162200. Disease mechanism: loss of function.

Submission:

Labcorp Genetics (formerly Invitae), Labcorp
Classification: Pathogenic for Neurofibromatosis, type 1. Last evaluated: 2024-04-25. Review status: criteria provided, single submitter. Criteria: Invitae Variant Classification Sherloc (09022015). Collection method: clinical testing. Allele origin: germline.
Comment: This sequence change creates a premature translational stop signal (p.Ala1197Glnfs*18) in the NF1 gene. It is expected to result in an absent or disrupted protein product. Loss-of-function variants in NF1 are known to be pathogenic (PMID: 10712197, 23913538). This variant is not present in population databases (gnomAD no frequency). This variant has not been reported in the literature in individuals affected with NF1-related conditions. For these reasons, this variant has been classified as Pathogenic.

Literature cited by the submitters: PubMed 10712197; PubMed 23913538.